The following is an entry in ClinVar:

NM_001375808.2(LPIN2):c.2246A>G (p.His749Arg)

Gene: LPIN2 (lipin 2; minus strand). Cytogenetic location: 18p11.31.
Variant type: single nucleotide variant.
Coding change: c.2246A>G on transcript NM_001375808.2 (MANE Select); coding-DNA position 2246, A replaced by G.
Protein change: p.His749Arg; replaces histidine 749 with arginine.
Molecular consequence: missense variant.
Genome position (GRCh38, 1-based): chr18:2,922,128, T>C on the plus strand (A>G on the coding strand, the complement: LPIN2 is on the minus strand). VCF-style: chr18-2922128-T-C. GRCh37 (hg19) VCF-style: chr18-2922126-T-C.
Other names: c.2246A>G, p.His749Arg (NM_001375809.1, NM_014646.2); short protein forms H749R.
Identifiers: ClinVar variation 1012024 (VCV001012024.6), dbSNP rs1598519554, ClinGen allele CA401697225.
Genomic context (GRCh38, chr18:2,922,128, plus strand): 5'-CTGCTGGGGGACAGCATCAGGGGGCCCCGGGGCAAGATTGTGCCCTTGTCATTGACCCAG[T>C]GCAGGTAGCCACGGGTCATGTCGGCCATGCCGATGGCACGAGCCGAGCAGTACAGAAACT-3'
Protein context (NP_001362737.1, residues 739-759): GMADMTRGYL[His749Arg]WVNDKGTILP

ClinVar aggregate classification (germline): Uncertain significance (1 of 4 stars; one submission).

Conditions:
Majeed syndrome (MJDS). Also called: CHRONIC RECURRENT MULTIFOCAL OSTEOMYELITIS 1, WITH CONGENITAL DYSERYTHROPOIETIC ANEMIA, WITH OR WITHOUT NEUTROPHILIC DERMATOSIS; LPIN2-Related Majeed Syndrome. Identifiers: Orphanet 77297, MedGen C1864997, MONDO:0012316, OMIM 609628.

Submission:

Labcorp Genetics (formerly Invitae), Labcorp
Classification: Uncertain significance for Majeed syndrome. Last evaluated: 2021-08-31. Review status: criteria provided, single submitter. Criteria: Invitae Variant Classification Sherloc (09022015). Collection method: clinical testing. Allele origin: germline.
Comment: This sequence change replaces histidine with arginine at codon 749 of the LPIN2 protein (p.His749Arg). The histidine residue is moderately conserved and there is a small physicochemical difference between histidine and arginine. This variant is not present in population databases (ExAC no frequency). This variant has not been reported in the literature in individuals affected with LPIN2-related conditions. Algorithms developed to predict the effect of missense changes on protein structure and function are either unavailable or do not agree on the potential impact of this missense change (SIFT: "Tolerated"; PolyPhen-2: "Possibly Damaging"; Align-GVGD: "Class C0"). In summary, the available evidence is currently insufficient to determine the role of this variant in disease. Therefore, it has been classified as a Variant of Uncertain Significance.